The following is an entry in ClinVar:

ClinVar aggregate classification (germline): Likely benign (1 of 4 stars; one submission).

Submission:

CeGaT Center for Human Genetics Tuebingen
Classification: Likely benign. Last evaluated: 2025-01-01. Review status: criteria provided, single submitter. Criteria: CeGaT Center For Human Genetics Tuebingen Variant Classification Criteria Version 2. Collection method: clinical testing. Allele origin: germline. Affected: yes. Observed: 2 variant alleles.
Comment: SLC6A8: BS2

NM_005629.4(SLC6A8):c.1255-44del

Gene: SLC6A8 (solute carrier family 6 member 8; plus strand). Cytogenetic location: Xq28.
Variant type: Deletion.
Coding change: c.1255-44del on transcript NM_005629.4 (MANE Select); 44 bases into the intron before coding-DNA position 1255, one base deleted (G; older notation c.1255-44delG).
Molecular consequence: intron variant.
Genome position (GRCh38, 1-based): chrX:153,694,086, G deleted; the last of 4 consecutive G bases (chrX:153,694,083-153,694,086); deleting any one gives the same sequence. VCF-style (leftmost placement, unchanged base first): chrX-153694082-AG-A. GRCh37 (hg19) VCF-style: chrX-152959537-AG-A.
Other names: c.1225-44del (NM_001142805.2); c.910-44del (NM_001142806.1).
Identifiers: ClinVar variation 3024711 (VCV003024711.22), dbSNP rs34035058, ClinGen allele CA10549473.